The following is an entry in ClinVar:

NM_177438.3(DICER1):c.4728G>T (p.Glu1576Asp)

Gene: DICER1 (dicer 1, ribonuclease III; minus strand). Cytogenetic location: 14q32.13.
Variant type: single nucleotide variant.
Coding change: c.4728G>T on transcript NM_177438.3 (MANE Select); coding-DNA position 4728, G replaced by T.
Protein change: p.Glu1576Asp; replaces glutamic acid 1576 with aspartic acid.
Molecular consequence: missense variant.
Genome position (GRCh38, 1-based): chr14:95,096,192, C>A on the plus strand (G>T on the coding strand, the complement: DICER1 is on the minus strand). VCF-style: chr14-95096192-C-A. GRCh37 (hg19) VCF-style: chr14-95562529-C-A.
Other names: c.4728G>T, p.Glu1576Asp (NM_001271282.3, NM_001291628.2, NM_001195573.1 and 1 more transcripts); c.4728G>T (NM_177438.2); short protein forms E1576D.
Identifiers: ClinVar variation 1005482 (VCV001005482.11), dbSNP rs753976236, ClinGen allele CA7330812.

ClinVar aggregate classification (germline): Uncertain significance. Review status: criteria provided, multiple submitters, no conflicts (2 of 4 stars). 2 submissions from 2 submitters: Uncertain significance (2). Last evaluated 2024-09-17.

Conditions:
DICER1-related tumor predisposition. Also called: DICER1 syndrome; DICER1-related pleuropulmonary blastoma cancer predisposition syndrome. Identifiers: Orphanet 284343, MedGen C3839822, MONDO:0100216.
Hereditary cancer-predisposing syndrome. Also called: Hereditary neoplastic syndrome; Neoplastic Syndromes, Hereditary; Tumor predisposition; Hereditary Cancer Syndrome. Identifiers: Orphanet 140162, MedGen C0027672, MeSH D009386, MONDO:0015356.

Allele frequency attached by ClinVar (database versions not stated): gnomAD below 0.00001 and 0.00001.
gnomAD v4.1: 10 of 1,614,234 alleles (0.00062%); highest among the groups gnomAD compares: South Asian, 0.011%; no homozygotes.

Submissions (2):

Ambry Genetics
Classification: Uncertain significance for Hereditary cancer-predisposing syndrome. Last evaluated: 2024-09-17. Review status: criteria provided, single submitter. Criteria: Ambry Variant Classification Scheme 2023. Collection method: clinical testing. Allele origin: germline.
Comment: The p.E1576D variant (also known as c.4728G>T), located in coding exon 22 of the DICER1 gene, results from a G to T substitution at nucleotide position 4728. The glutamic acid at codon 1576 is replaced by aspartic acid, an amino acid with highly similar properties. This amino acid position is highly conserved in available vertebrate species. In addition, the in silico prediction for this alteration is inconclusive. Based on the available evidence, the clinical significance of this variant remains unclear.

Labcorp Genetics (formerly Invitae), Labcorp
Classification: Uncertain significance for DICER1-related tumor predisposition. Last evaluated: 2020-02-03. Review status: criteria provided, single submitter. Criteria: Invitae Variant Classification Sherloc (09022015). Collection method: clinical testing. Allele origin: germline.
Comment: In summary, the available evidence is currently insufficient to determine the role of this variant in disease. Therefore, it has been classified as a Variant of Uncertain Significance. Algorithms developed to predict the effect of missense changes on protein structure and function are either unavailable or do not agree on the potential impact of this missense change (SIFT: "Tolerated"; PolyPhen-2: "Possibly Damaging"; Align-GVGD: "Class C0"). This variant has not been reported in the literature in individuals with DICER1-related conditions. This variant is present in population databases (rs753976236, ExAC 0.006%). This sequence change replaces glutamic acid with aspartic acid at codon 1576 of the DICER1 protein (p.Glu1576Asp). The glutamic acid residue is highly conserved and there is a small physicochemical difference between glutamic acid and aspartic acid.